The following is an entry in ClinVar:

ClinVar aggregate classification (germline): Uncertain significance (1 of 4 stars; one submission).

Conditions:
Neuronopathy, distal hereditary motor, type 7A. Also called: Neuronopathy, distal hereditary motor, type viia; NEURONOPATHY, DISTAL HEREDITARY MOTOR, HARDING TYPE VIIA; NEUROPATHY, DISTAL HEREDITARY MOTOR, HARDING TYPE VIIA; Neuronopathy, distal hereditary motor, autosomal dominant 7; HARPER-YOUNG MYOPATHY; HMN VIIA. Identifiers: Orphanet 139589, MedGen C1834703, MONDO:0008024, OMIM 158580.
Congenital myasthenic syndrome 20. Also called: Myasthenic syndrome, congenital, 20, presynaptic. Identifiers: MedGen C4310694, MONDO:0014939, OMIM 617143.

Allele frequency attached by ClinVar (database versions not stated): gnomAD exomes below 0.00001.
gnomAD v4.1: 1 of 1,613,824 alleles (0.000062%); highest among the groups gnomAD compares: Non-Finnish European, 0.000085%; no homozygotes.

Submission:

Labcorp Genetics (formerly Invitae), Labcorp
Classification: Uncertain significance for Neuronopathy, distal hereditary motor, type 7A; Congenital myasthenic syndrome 20. Last evaluated: 2022-10-13. Review status: criteria provided, single submitter. Criteria: Invitae Variant Classification Sherloc (09022015). Collection method: clinical testing. Allele origin: germline.
Comment: This sequence change replaces isoleucine, which is neutral and non-polar, with threonine, which is neutral and polar, at codon 537 of the SLC5A7 protein (p.Ile537Thr). This variant is present in population databases (no rsID available, gnomAD 0.0009%). This variant has not been reported in the literature in individuals affected with SLC5A7-related conditions. ClinVar contains an entry for this variant (Variation ID: 1480092). Algorithms developed to predict the effect of missense changes on protein structure and function are either unavailable or do not agree on the potential impact of this missense change (SIFT: "Deleterious"; PolyPhen-2: "Benign"; Align-GVGD: "Class C0"). In summary, the available evidence is currently insufficient to determine the role of this variant in disease. Therefore, it has been classified as a Variant of Uncertain Significance.

NM_021815.5(SLC5A7):c.1610T>C (p.Ile537Thr)

Gene: SLC5A7 (solute carrier family 5 member 7; plus strand). Cytogenetic location: 2q12.3.
Variant type: single nucleotide variant.
Coding change: c.1610T>C on transcript NM_021815.5 (MANE Select); coding-DNA position 1610, T replaced by C.
Protein change: p.Ile537Thr; replaces isoleucine 537 with threonine.
Molecular consequence: missense variant.
Genome position (GRCh38, 1-based): chr2:108,010,728, T>C. VCF-style: chr2-108010728-T-C. GRCh37 (hg19) VCF-style: chr2-108627184-T-C.
Other names: c.1610T>C, p.Ile537Thr (NM_001305005.3); c.1295T>C, p.Ile432Thr (NM_001305006.3); c.869T>C, p.Ile290Thr (NM_001305007.3); short protein forms I537T, I290T, I432T.
Identifiers: ClinVar variation 1480092 (VCV001480092.8), dbSNP rs1157492588, ClinGen allele CA348114966.